The following is an entry in ClinVar:

ClinVar aggregate classification (germline): Uncertain significance (1 of 4 stars; one submission).

Allele frequency attached by ClinVar (database versions not stated): gnomAD exomes 0.00001.
gnomAD v4.1: 9 of 1,614,172 alleles (0.00056%); highest among the groups gnomAD compares: Non-Finnish European, 0.00076%; no homozygotes.

Submission:

Labcorp Genetics (formerly Invitae), Labcorp
Classification: Uncertain significance. Last evaluated: 2022-07-17. Review status: criteria provided, single submitter. Criteria: Invitae Variant Classification Sherloc (09022015). Collection method: clinical testing. Allele origin: germline.
Comment: This variant is not present in population databases (gnomAD no frequency). This sequence change replaces arginine, which is basic and polar, with glutamine, which is neutral and polar, at codon 309 of the CLP1 protein (p.Arg309Gln). This variant has not been reported in the literature in individuals affected with CLP1-related conditions. In summary, the available evidence is currently insufficient to determine the role of this variant in disease. Therefore, it has been classified as a Variant of Uncertain Significance. Algorithms developed to predict the effect of missense changes on protein structure and function (SIFT, PolyPhen-2, Align-GVGD) all suggest that this variant is likely to be tolerated.

NM_006831.3(CLP1):c.926G>A (p.Arg309Gln)

Gene: CLP1 (cleavage factor polyribonucleotide kinase subunit 1; plus strand). Cytogenetic location: 11q12.1.
Variant type: single nucleotide variant.
Coding change: c.926G>A on transcript NM_006831.3 (MANE Select); coding-DNA position 926, G replaced by A.
Protein change: p.Arg309Gln; replaces arginine 309 with glutamine.
Molecular consequence: missense variant.
Genome position (GRCh38, 1-based): chr11:57,661,084, G>A. VCF-style: chr11-57661084-G-A. GRCh37 (hg19) VCF-style: chr11-57428556-G-A.
Other names: c.734G>A, p.Arg245Gln (NM_001142597.2); short protein forms R309Q, R245Q.
Identifiers: ClinVar variation 1908584 (VCV001908584.5), dbSNP rs1945872867, ClinGen allele CA380699679.